The following is an entry in ClinVar:

ClinVar aggregate classification (germline): Uncertain significance (1 of 4 stars; one submission).

Conditions:
Congenital anomalies of kidney and urinary tract 3. Identifiers: MedGen C4748921, MONDO:0032646, OMIM 618270.

Submission:

Neuberg Centre For Genomic Medicine, NCGM
Classification: Uncertain significance for Congenital anomalies of kidney and urinary tract 3. Review status: criteria provided, single submitter. Criteria: ACMG Guidelines, 2015. Collection method: clinical testing. Allele origin: germline. Affected: yes.
Comment: The missense variant p.E743K in NRIP1 (NM_003489.4) has not been reported previously as a pathogenic variant nor as a benign variant, to our knowledge. The p.E743K variant is novel (not in any individuals) in gnomAD Exomes and is novel (not in any individuals) in 1000 Genomes. In silico tools predict a tolerated effect (SIFT,Polyphen-2) and the residue is conserved across species. For these reasons, this variant has been classified as Uncertain Significance.

NM_003489.4(NRIP1):c.2227G>A (p.Glu743Lys)

Gene: NRIP1 (nuclear receptor interacting protein 1; minus strand). Cytogenetic location: 21q11.2.
Variant type: single nucleotide variant.
Coding change: c.2227G>A on transcript NM_003489.4 (MANE Select); coding-DNA position 2227, G replaced by A.
Protein change: p.Glu743Lys; replaces glutamic acid 743 with lysine.
Molecular consequence: missense variant.
Genome position (GRCh38, 1-based): chr21:14,965,966, C>T on the plus strand (G>A on the coding strand, the complement: NRIP1 is on the minus strand). VCF-style: chr21-14965966-C-T. GRCh37 (hg19) VCF-style: chr21-16338287-C-T.
Other names: short protein forms E743K.
Identifiers: ClinVar variation 1339141 (VCV001339141.2), dbSNP rs2146925228, ClinGen allele CA409828357.